The following is an entry in ClinVar:

ClinVar aggregate classification (germline): Likely pathogenic (1 of 4 stars; one submission).

Conditions:
Nemaline myopathy 2 (NEM2). Also called: Nemaline myopathy 2, autosomal recessive. Identifiers: MedGen C1850569, MONDO:0009725, OMIM 256030.

Submission:

Labcorp Genetics (formerly Invitae), Labcorp
Classification: Likely pathogenic for Nemaline myopathy 2. Last evaluated: 2024-03-11. Review status: criteria provided, single submitter. Criteria: Invitae Variant Classification Sherloc (09022015). Collection method: clinical testing. Allele origin: germline.
Comment: This sequence change affects a donor splice site in intron 81 of the NEB gene. It is expected to disrupt RNA splicing. Variants that disrupt the donor or acceptor splice site typically lead to a loss of protein function (PMID: 16199547), and loss-of-function variants in NEB are known to be pathogenic (PMID: 25205138). This variant is not present in population databases (gnomAD no frequency). This variant has not been reported in the literature in individuals affected with NEB-related conditions. ClinVar contains an entry for this variant (Variation ID: 1471419). Algorithms developed to predict the effect of sequence changes on RNA splicing suggest that this variant may disrupt the consensus splice site. In summary, the currently available evidence indicates that the variant is pathogenic, but additional data are needed to prove that conclusively. Therefore, this variant has been classified as Likely Pathogenic.

Literature cited by the submitters: PubMed 16199547; PubMed 25205138.

NM_001164508.2(NEB):c.12330+1G>A

Gene: NEB (nebulin; minus strand). Cytogenetic location: 2q23.3.
Variant type: single nucleotide variant.
Coding change: c.12330+1G>A on transcript NM_001164508.2 (MANE Select); the canonical splice donor site of the intron after coding-DNA position 12330, G replaced by A.
Molecular consequence: splice donor variant.
Genome position (GRCh38, 1-based): chr2:151,609,808, C>T on the plus strand (G>A on the coding strand, the complement: NEB is on the minus strand). VCF-style: chr2-151609808-C-T. GRCh37 (hg19) VCF-style: chr2-152466322-C-T.
Other names: c.11601+1G>A (NM_004543.5); c.12330+1G>A (NM_001164507.2, NM_001271208.2).
Identifiers: ClinVar variation 1471419 (VCV001471419.6), dbSNP rs1350840483, ClinGen allele CA348776479.